The following is an entry in ClinVar:

ClinVar aggregate classification (germline): Uncertain significance (1 of 4 stars; one submission).

Submission:

Labcorp Genetics (formerly Invitae), Labcorp
Classification: Uncertain significance. Last evaluated: 2022-07-20. Review status: criteria provided, single submitter. Criteria: Invitae Variant Classification Sherloc (09022015). Collection method: clinical testing. Allele origin: germline.
Comment: In summary, the available evidence is currently insufficient to determine the role of this variant in disease. Therefore, it has been classified as a Variant of Uncertain Significance. Experimental studies and prediction algorithms are not available or were not evaluated, and the functional significance of this variant is currently unknown. This variant has not been reported in the literature in individuals affected with ELOVL4-related conditions. A copy number gain of the genomic region encompassing the full coding sequence of the ELOVL4 gene has been identified. The boundaries of this event are unknown as they extend beyond the assayed region for this gene and therefore may encompass additional genes. As the precise location of this event is unknown, it may be in tandem or it may be located elsewhere in the genome.

NC_000006.11:g.(?_80626325)_(80656996_?)dup

Gene: ELOVL4 (ELOVL fatty acid elongase 4; minus strand). Cytogenetic location: 6q14.1.
Variant type: Duplication.
Identifiers: ClinVar variation 2426771 (VCV002426771.4).